The following is an entry in ClinVar:

ClinVar aggregate classification (germline): Uncertain significance (1 of 4 stars; one submission).

Conditions:
Epileptic encephalopathy. Identifiers: MedGen C0543888, HP:0200134.

Allele frequency attached by ClinVar (database versions not stated): gnomAD 0.00001 and 0.00003; gnomAD exomes 0.00001 and 0.00002; TOPMed 0.00001.
gnomAD v4.1: 14 of 1,613,666 alleles (0.00087%); highest among the groups gnomAD compares: East Asian, 0.0045%; 1 homozygote.

Submission:

Labcorp Genetics (formerly Invitae), Labcorp
Classification: Uncertain significance for Epileptic encephalopathy. Last evaluated: 2022-06-20. Review status: criteria provided, single submitter. Criteria: Invitae Variant Classification Sherloc (09022015). Collection method: clinical testing. Allele origin: germline.
Comment: This variant has not been reported in the literature in individuals affected with RYR3-related conditions. This variant is present in population databases (no rsID available, gnomAD 0.01%). This sequence change replaces arginine, which is basic and polar, with cysteine, which is neutral and slightly polar, at codon 4862 of the RYR3 protein (p.Arg4862Cys). Algorithms developed to predict the effect of missense changes on protein structure and function are either unavailable or do not agree on the potential impact of this missense change (SIFT: "Deleterious"; PolyPhen-2: "Probably Damaging"; Align-GVGD: "Class C0"). In summary, the available evidence is currently insufficient to determine the role of this variant in disease. Therefore, it has been classified as a Variant of Uncertain Significance.

NM_001036.6(RYR3):c.14584C>T (p.Arg4862Cys)

Genes: AVEN (apoptosis and caspase activation inhibitor; minus strand), RYR3 (ryanodine receptor 3; plus strand). Cytogenetic location: 15q14.
Variant type: single nucleotide variant.
Coding change: c.14584C>T on transcript NM_001036.6 (MANE Select); coding-DNA position 14584, C replaced by T.
Protein change: p.Arg4862Cys; replaces arginine 4862 with cysteine.
Molecular consequence: missense variant.
Genome position (GRCh38, 1-based): chr15:33,865,197, C>T. VCF-style: chr15-33865197-C-T. GRCh37 (hg19) VCF-style: chr15-34157398-C-T.
Other names: c.14569C>T, p.Arg4857Cys (NM_001243996.4); short protein forms R4857C, R4862C.
Identifiers: ClinVar variation 1406924 (VCV001406924.8), dbSNP rs1309538160, ClinGen allele CA391596614.